The following is an entry in ClinVar:

ClinVar aggregate classification (germline): Uncertain significance (0 of 4 stars; one submission).

Conditions:
TTN-related disorder. Also called: TTN-related condition; TTN-related disease; TTN-related disorders.

gnomAD v4.1: 26 of 1,612,904 alleles (0.0016%); highest among the groups gnomAD compares: South Asian, 0.023%; no homozygotes.

Submission:

PreventionGenetics, part of Exact Sciences
Classification: Uncertain significance for TTN-related condition. Last evaluated: 2024-07-30. Review status: no assertion criteria provided. Collection method: clinical testing. Allele origin: germline.
Comment: The TTN c.12737T>C variant is predicted to result in the amino acid substitution p.Leu4246Pro. This variant is referred to as c.11311+3461T>C (intronic) with an alternate transcript NM_001267550. To our knowledge, this variant has not been reported in the literature. This variant is reported in 0.036% of alleles in individuals of South Asian descent in gnomAD. At this time, the clinical significance of this variant is uncertain due to the absence of conclusive functional and genetic evidence.

NM_133379.5(TTN):c.12737T>C (p.Leu4246Pro)

Gene: TTN (titin; minus strand). Cytogenetic location: 2q31.2.
Variant type: single nucleotide variant.
Coding change: c.12737T>C on transcript NM_133379.5; coding-DNA position 12737, T replaced by C.
Protein change: p.Leu4246Pro; replaces leucine 4246 with proline.
Molecular consequence: missense variant. On other transcripts: intron variant (6).
Genome position (GRCh38, 1-based): chr2:178,749,663, A>G on the plus strand (T>C on the coding strand, the complement: TTN is on the minus strand). VCF-style: chr2-178749663-A-G. GRCh37 (hg19) VCF-style: chr2-179614390-A-G.
Other names: c.10222+3461T>C (NM_003319.4); c.10798+3461T>C (NM_133437.4); c.10597+3461T>C (NM_133432.3); c.10360+3461T>C (NM_133378.4, NM_001256850.1); c.11311+3461T>C (NM_001267550.2); c.12737T>C (NM_133379.4); short protein forms L4246P.
Identifiers: ClinVar variation 3355913 (VCV003355913.1).